The following is an entry in ClinVar:

ClinVar aggregate classification (germline): Likely benign. Review status: criteria provided, multiple submitters, no conflicts (2 of 4 stars). 4 submissions from 4 submitters: Likely benign (4). Last evaluated 2026-05-20.

Conditions:
Hereditary cancer-predisposing syndrome. Also called: Hereditary neoplastic syndrome; Neoplastic Syndromes, Hereditary; Hereditary Cancer Syndrome; Tumor predisposition. Identifiers: Orphanet 140162, MedGen C0027672, MeSH D009386, MONDO:0015356.
CTNNA1-related disorder. Also called: CTNNA1-related condition.

Allele frequency attached by ClinVar (database versions not stated): TOPMed below 0.00001; gnomAD 0.00001; gnomAD exomes 0.00001.
gnomAD v4.1: 19 of 1,607,302 alleles (0.0012%); highest among the groups gnomAD compares: Non-Finnish European, 0.0016%; no homozygotes.

Submissions (4):

PreventionGenetics, part of Exact Sciences
Classification: Likely benign for CTNNA1-related condition. Last evaluated: 2026-05-20. Review status: criteria provided, single submitter. Criteria: ACMG Guidelines, 2015. Collection method: clinical testing. Allele origin: germline.
Comment: This variant is classified as likely benign based on ACMG/AMP sequence variant interpretation guidelines (Richards et al. 2015 PMID: 25741868, with internal and published modifications).

Labcorp Genetics (formerly Invitae), Labcorp
Classification: Likely benign. Last evaluated: 2025-11-24. Review status: criteria provided, single submitter. Criteria: Invitae Variant Classification Sherloc (09022015). Collection method: clinical testing. Allele origin: germline.

Blueprint Genetics
Classification: Likely benign. Last evaluated: 2021-02-05. Review status: criteria provided, single submitter. Criteria: ACMG Guidelines, 2015. Collection method: clinical testing. Allele origin: germline.

Ambry Genetics
Classification: Likely benign for Hereditary cancer-predisposing syndrome. Last evaluated: 2020-08-19. Review status: criteria provided, single submitter. Criteria: Ambry Variant Classification Scheme 2023. Collection method: clinical testing. Allele origin: germline.

NM_001903.5(CTNNA1):c.120A>T (p.Val40=)

Gene: CTNNA1 (catenin alpha 1; plus strand). Cytogenetic location: 5q31.2.
Variant type: single nucleotide variant.
Coding change: c.120A>T on transcript NM_001903.5 (MANE Select); coding-DNA position 120, A replaced by T.
Protein change: p.Val40=; no amino-acid change (valine 40 retained).
Molecular consequence: synonymous variant. On other transcripts: 5 prime UTR variant (1), intron variant (1).
Genome position (GRCh38, 1-based): chr5:138,783,191, A>T. VCF-style: chr5-138783191-A-T. GRCh37 (hg19) VCF-style: chr5-138118880-A-T.
Other names: c.120A>T, p.Val40= (NM_001290307.3, NM_001323982.2, NM_001323983.1 and 3 more transcripts); c.-87A>T (NM_001290310.3); c.-9+1162A>T (NM_001290309.3); c.120A>T (NM_001903.4).
Identifiers: ClinVar variation 774773 (VCV000774773.15), dbSNP rs1580983970, ClinGen allele CA446725060.
Genomic context (GRCh38, chr5:138,783,191, plus strand): 5'-GTCATTTTAATTGACTCCAGTTTAATGTTAAAAATGAAACTTTTAGGTTACAACCCTTGT[A>T]AACACCAATAGTAAAGGGCCCTCTAATAAGAAGAGAGGTCGTTCTAAGAAGGCCCATGTT-3'
Protein context (NP_001894.2, residues 30-50): EPLVTQVTTL[Val40=]NTNSKGPSNK